The following is an entry in ClinVar:

ClinVar aggregate classification (germline): Uncertain significance. Review status: criteria provided, multiple submitters, no conflicts (2 of 4 stars). 3 submissions from 3 submitters: Uncertain significance (3). Last evaluated 2025-09-25.

Allele frequency attached by ClinVar (database versions not stated): gnomAD exomes 0.00001 and 0.00002; ExAC 0.00002; gnomAD 0.00003 and 0.00004; TOPMed 0.00004; ESP Exome Variant Server 0.00008.
gnomAD v4.1: 33 of 1,601,546 alleles (0.0021%); highest among the groups gnomAD compares: Non-Finnish European, 0.0028%; no homozygotes.

Submissions (3):

Ambry Genetics
Classification: Uncertain significance. Last evaluated: 2025-09-25. Review status: criteria provided, single submitter. Criteria: Ambry Variant Classification Scheme 2023. Collection method: clinical testing. Allele origin: germline.

Labcorp Genetics (formerly Invitae), Labcorp
Classification: Uncertain significance. Last evaluated: 2021-09-02. Review status: criteria provided, single submitter. Criteria: Invitae Variant Classification Sherloc (09022015). Collection method: clinical testing. Allele origin: germline.
Comment: This sequence change replaces valine with methionine at codon 244 of the SAMD11 protein (p.Val244Met). The valine residue is moderately conserved and there is a small physicochemical difference between valine and methionine. This variant is present in population databases (rs367710686, ExAC 0.003%). This variant has not been reported in the literature in individuals affected with SAMD11-related conditions. Algorithms developed to predict the effect of missense changes on protein structure and function are either unavailable or do not agree on the potential impact of this missense change (SIFT: "Tolerated"; PolyPhen-2: "Possibly Damaging"; Align-GVGD: "Class C0"). In summary, the available evidence is currently insufficient to determine the role of this variant in disease. Therefore, it has been classified as a Variant of Uncertain Significance.

Blueprint Genetics
Classification: Uncertain significance. Last evaluated: 2019-03-31. Review status: criteria provided, single submitter. Criteria: ACMG Guidelines, 2015. Collection method: clinical testing. Allele origin: germline.

NM_001385641.1(SAMD11):c.1219G>A (p.Val407Met)

Gene: SAMD11 (sterile alpha motif domain containing 11; plus strand). Cytogenetic location: 1p36.33.
Variant type: single nucleotide variant.
Coding change: c.1219G>A on transcript NM_001385641.1 (MANE Select); coding-DNA position 1219, G replaced by A.
Protein change: p.Val407Met; replaces valine 407 with methionine.
Molecular consequence: missense variant.
Genome position (GRCh38, 1-based): chr1:941,167, G>A. VCF-style: chr1-941167-G-A. GRCh37 (hg19) VCF-style: chr1-876547-G-A.
Other names: c.730G>A (NM_152486.2); c.1222G>A, p.Val408Met (NM_001385640.1); c.730G>A, p.Val244Met (NM_152486.4); short protein forms V244M, V407M, V408M.
Identifiers: ClinVar variation 1062102 (VCV001062102.8), dbSNP rs367710686, ClinGen allele CA502789.